The following is an entry in ClinVar:

NM_006096.4(NDRG1):c.866_875del (p.Cys289fs)

Gene: NDRG1 (N-myc downstream regulated 1; minus strand). Cytogenetic location: 8q24.22.
Variant type: Deletion.
Coding change: c.866_875del on transcript NM_006096.4 (MANE Select); coding-DNA positions 866 to 875, 10 bases deleted (GTGGCGGCCT; older notation c.866_875delGTGGCGGCCT).
Protein change: p.Cys289fs; shifts the reading frame from cysteine 289.
Molecular consequence: frameshift variant.
Genome position (GRCh38, 1-based): chr8:133,244,371-133,244,380, AGGCCGCCAC deleted on the plus strand (GTGGCGGCCT on the coding strand, the reverse complement: NDRG1 is on the minus strand); deleting any 10 consecutive bases within chr8:133,244,371-133,244,382 gives the same sequence; the c. name uses the placement nearest the transcript's 3' end. VCF-style (leftmost placement, unchanged base first): chr8-133244370-GAGGCCGCCAC-G. GRCh37 (hg19) VCF-style: chr8-134256613-GAGGCCGCCAC-G.
Other names: c.866_875del, p.Cys289fs (NM_001135242.2, NM_001374845.1, NM_001374846.1); c.668_677del, p.Cys223fs (NM_001258432.2, NM_001374847.1); c.623_632del, p.Cys208fs (NM_001258433.2); c.917_926del, p.Cys306fs (NM_001374844.1); short protein forms C289fs, C208fs, C223fs, C306fs.
Identifiers: ClinVar variation 1522917 (VCV001522917.8), dbSNP rs2130676399, ClinGen allele CA2573142850.

ClinVar aggregate classification (germline): Uncertain significance (1 of 4 stars; one submission).

Conditions:
Charcot-Marie-Tooth disease type 4. Also called: Charcot-Marie-Tooth disease, type IV; Charcot-Marie-Tooth, Type 4. Identifiers: Orphanet 64749, MedGen C4082197, MONDO:0018995.

Submission:

Labcorp Genetics (formerly Invitae), Labcorp
Classification: Uncertain significance for Charcot-Marie-Tooth disease type 4. Last evaluated: 2024-02-16. Review status: criteria provided, single submitter. Criteria: Invitae Variant Classification Sherloc (09022015). Collection method: clinical testing. Allele origin: germline.
Comment: This sequence change creates a premature translational stop signal (p.Cys289Serfs*29) in the NDRG1 gene. While this is not anticipated to result in nonsense mediated decay, it is expected to disrupt the last 106 amino acid(s) of the NDRG1 protein. This variant is not present in population databases (gnomAD no frequency). This variant has not been reported in the literature in individuals affected with NDRG1-related conditions. ClinVar contains an entry for this variant (Variation ID: 1522917). In summary, the available evidence is currently insufficient to determine the role of this variant in disease. Therefore, it has been classified as a Variant of Uncertain Significance.